The following is an entry in ClinVar:

ClinVar aggregate classification (germline): Benign/Likely benign. Review status: criteria provided, multiple submitters, no conflicts (2 of 4 stars). 17 submissions from 17 submitters: Benign (8); Likely benign (5). 4 of the submissions do not count toward it. Last evaluated 2026-02-01.

Conditions:
Cardiovascular phenotype. Identifiers: MedGen CN230736.
Fabry disease. Also called: Fabry's disease; Angiokeratoma corporis diffusum; GLA DEFICIENCY; HEREDITARY DYSTOPIC LIPIDOSIS; Ceramide trihexosidosis; ALPHA-GALACTOSIDASE A DEFICIENCY. Identifiers: Orphanet 324, MedGen C0002986, MONDO:0010526, OMIM 301500, HP:0001071. Disease mechanism: loss of function, Fabry disease is due to inactivating mutations in the X-linked GLA gene resulting in deficiency of the enzyme Alpha Galactosidase-A..

Allele frequency attached by ClinVar (database versions not stated): gnomAD exomes 0.00008 and 0.00027; ExAC 0.00033; 1000 Genomes Project 30x 0.00062; 1000 Genomes Project 0.00079; gnomAD 0.00091 and 0.00100; ESP Exome Variant Server 0.00095; TOPMed 0.00120.
gnomAD v4.1: 206 of 1,204,535 alleles (0.017%); highest among the groups gnomAD compares: African/African-American, 0.28%; no homozygotes.

Submissions (17):

Labcorp Genetics (formerly Invitae), Labcorp
Classification: Benign for Fabry disease. Last evaluated: 2026-02-01. Review status: criteria provided, single submitter. Criteria: Invitae Variant Classification Sherloc (09022015). Collection method: clinical testing. Allele origin: germline.

Genomenon, Inc
Classification: Benign for Fabry disease. Last evaluated: 2025-09-15. Review status: criteria provided, single submitter. Criteria: Genomenon Sequence Variant Interpretation Standards. Collection method: curation. Allele origin: germline. Affected: no.
Comment: GLA c.978G>A is a synonymous (silent) variant that retains Lysine at residue 326. This variant is present at high allele frequency in population databases. It has been associated with the following publications (PMID:27841901). In conclusion, we classify GLA p.Lys326= (c.978G>A) as a benign variant.

Molecular Diagnostic Laboratory for Inherited Cardiovascular Disease, Montreal Heart Institute
Classification: Benign. Last evaluated: 2025-04-09. Review status: criteria provided, single submitter. Criteria: ACMG Guidelines, 2015. Collection method: clinical testing. Allele origin: germline. Affected: no.

CeGaT Center for Human Genetics Tuebingen
Classification: Likely benign. Last evaluated: 2024-08-01. Review status: criteria provided, single submitter. Criteria: CeGaT Center For Human Genetics Tuebingen Variant Classification Criteria Version 2. Collection method: clinical testing. Allele origin: germline. Affected: yes. Observed: 1 variant allele.
Comment: GLA: BP4, BS2

Blueprint Genetics
Classification: Likely benign. Last evaluated: 2024-07-08. Review status: criteria provided, single submitter. Criteria: ACMG Guidelines, 2015. Collection method: clinical testing. Allele origin: germline.

Genome-Nilou Lab
Classification: Benign for Fabry disease. Last evaluated: 2021-07-15. Review status: criteria provided, single submitter. Criteria: ACMG Guidelines, 2015. Collection method: clinical testing. Allele origin: germline. Affected: no.

Women's Health and Genetics/Laboratory Corporation of America, LabCorp
Classification: Likely benign. Last evaluated: 2021-03-11. Review status: criteria provided, single submitter. Criteria: LabCorp Variant Classification Summary - May 2015. Collection method: clinical testing. Allele origin: germline.

Color Diagnostics, LLC DBA Color Health
Classification: Benign for Fabry disease. Last evaluated: 2018-12-16. Review status: criteria provided, single submitter. Criteria: ACMG Guidelines, 2015. Collection method: clinical testing. Allele origin: germline.

Ambry Genetics
Classification: Likely benign for Cardiovascular phenotype. Last evaluated: 2016-01-05. Review status: criteria provided, single submitter. Criteria: Ambry Variant Classification Scheme 2023. Collection method: clinical testing. Allele origin: germline.

Laboratory for Molecular Medicine, Mass General Brigham Personalized Medicine
Classification: Benign. Last evaluated: 2015-04-18. Review status: criteria provided, single submitter. Criteria: LMM Criteria. Collection method: clinical testing. Allele origin: germline. Observed: 3 variant alleles.
Comment: p.Lys326Lys in exon 6 of GLA: This variant is not expected to have clinical sign ificance because it does not alter an amino acid residue, is not located within the splice consensus sequence, and has been identified in 0.3% (24/8490) of Afri can chromosomes by the Exome Aggregation Consortium (ExAC; rs151195362).

GeneDx
Classification: Benign. Last evaluated: 2015-03-03. Review status: criteria provided, single submitter. Criteria: GeneDx Variant Classification Process June 2021. Collection method: clinical testing. Allele origin: germline. Affected: yes.

Eurofins Ntd Llc (ga)
Classification: Benign. Last evaluated: 2014-04-22. Review status: criteria provided, single submitter. Criteria: EGL Classification Definitions 2015. Collection method: clinical testing. Allele origin: germline. Observed: 2 variant alleles, 1 heterozygote, 1 hemizygote.

PreventionGenetics, part of Exact Sciences
Classification: Likely benign. Review status: criteria provided, single submitter. Criteria: ACMG Guidelines, 2015. Collection method: clinical testing. Allele origin: germline.

Clinical Genetics DNA and cytogenetics Diagnostics Lab, Erasmus MC, Erasmus Medical Center
Classification: Likely benign. Review status: no assertion criteria provided. Collection method: clinical testing. Allele origin: germline. Affected: yes. Study: VKGL Data-share Consensus. Not counted in ClinVar's aggregate classification.

Clinical Genetics, Academic Medical Center
Classification: Benign. Review status: no assertion criteria provided. Collection method: clinical testing. Allele origin: germline. Affected: yes. Study: VKGL Data-share Consensus. Not counted in ClinVar's aggregate classification.

Diagnostic Laboratory, Department of Genetics, University Medical Center Groningen
Classification: Likely benign. Review status: no assertion criteria provided. Collection method: clinical testing. Allele origin: germline. Affected: yes. Study: VKGL Data-share Consensus. Not counted in ClinVar's aggregate classification.

Genome Diagnostics Laboratory, University Medical Center Utrecht
Classification: Likely benign. Review status: no assertion criteria provided. Collection method: clinical testing. Allele origin: germline. Affected: yes. Study: VKGL Data-share Consensus. Not counted in ClinVar's aggregate classification.

Literature cited by the submitters: PubMed 27841901 (cited by Genomenon, Inc).

NM_000169.3(GLA):c.978G>A (p.Lys326=)

Genes: GLA (galactosidase alpha; minus strand), RPL36A-HNRNPH2 (RPL36A-HNRNPH2 readthrough; plus strand). Cytogenetic location: Xq22.1.
Variant type: single nucleotide variant.
Coding change: c.978G>A on transcript NM_000169.3 (MANE Select); coding-DNA position 978, G replaced by A.
Protein change: p.Lys326=; no amino-acid change (lysine 326 retained).
Molecular consequence: synonymous variant. On other transcripts: non-coding transcript variant (3), intron variant (2).
Genome position (GRCh38, 1-based): chrX:101,398,391, C>T on the plus strand (G>A on the coding strand, the complement: GLA is on the minus strand). VCF-style: chrX-101398391-C-T. GRCh37 (hg19) VCF-style: chrX-100653379-C-T.
Other names: c.1101G>A, p.Lys367= (NM_001406747.1); c.978G>A, p.Lys326= (NM_001406748.1); c.300+2934C>T (NM_001199973.2); c.177+6569C>T (NM_001199974.2).
Identifiers: ClinVar variation 42466 (VCV000042466.59), dbSNP rs151195362, ClinGen allele CA022243.